The following is an entry in ClinVar:

ClinVar aggregate classification (germline): Uncertain significance (1 of 4 stars; one submission).

Conditions:
Perlman syndrome (PRLMNS). Identifiers: Orphanet 2849, MedGen C0796113, MONDO:0009965, OMIM 267000.

Submission:

St. Jude Molecular Pathology, St. Jude Children's Research Hospital
Classification: Uncertain significance for Perlman syndrome. Last evaluated: 2025-06-17. Review status: criteria provided, single submitter. Criteria: St. Jude Assertion Criteria 2020. Collection method: clinical testing. Allele origin: germline.
Comment: The DIS3L2 c.1259G>T p.(Gly420Val) missense change is absent in gnomAD v2.1.1. The in silico tool REVEL is inconclusive about a pathogenic or benign effect of this variant on protein function, and to our knowledge functional studies have not been performed. To our knowledge, this variant has not been reported in individuals with Perlman syndrome. In summary, the evidence currently available is insufficient to determine the clinical significance of this variant. It has therefore been classified as of uncertain significance.

NM_152383.5(DIS3L2):c.1259G>T (p.Gly420Val)

Gene: DIS3L2 (DIS3 like 3'-5' exoribonuclease 2; plus strand). Cytogenetic location: 2q37.1.
Variant type: single nucleotide variant.
Coding change: c.1259G>T on transcript NM_152383.5 (MANE Select); coding-DNA position 1259, G replaced by T.
Protein change: p.Gly420Val; replaces glycine 420 with valine.
Molecular consequence: missense variant. On other transcripts: non-coding transcript variant (2).
Genome position (GRCh38, 1-based): chr2:232,238,587, G>T. VCF-style: chr2-232238587-G-T. GRCh37 (hg19) VCF-style: chr2-233103297-G-T.
Other names: c.1259G>T, p.Gly420Val (NM_001257281.2); short protein forms G420V.
Identifiers: ClinVar variation 4056124 (VCV004056124.2).